The following is an entry in ClinVar:

ClinVar aggregate classification (germline): Conflicting classifications of pathogenicity. Review status: criteria provided, conflicting classifications (1 of 4 stars). 3 submissions from 3 submitters: Uncertain significance (1); Likely benign (1). 1 of the submissions does not count toward it. Last evaluated 2023-03-23.

Conditions:
Hereditary cancer-predisposing syndrome. Also called: Tumor predisposition; Neoplastic Syndromes, Hereditary; Hereditary Cancer Syndrome; Hereditary neoplastic syndrome. Identifiers: Orphanet 140162, MedGen C0027672, MeSH D009386, MONDO:0015356.
Hereditary breast ovarian cancer syndrome. Also called: Hereditary breast and ovarian cancer syndrome (HBOC); Hereditary breast and ovarian cancer syndrome; Hereditary breast and ovarian cancer; Hereditary breast and/or ovarian cancer syndrome; Breast and ovarian cancer; BRCA1- and BRCA2-Associated Hereditary Breast and Ovarian Cancer. Identifiers: Orphanet 145, MedGen C0677776, MeSH D061325, MONDO:0003582. Disease mechanism: loss of function.
Breast-ovarian cancer, familial, susceptibility to, 1 (BROVCA1). Also called: OVARIAN CANCER, SUSCEPTIBILITY TO; BRCA1 Hereditary Breast and Ovarian Cancer. Identifiers: Orphanet 145, MedGen C2676676, MONDO:0011450, OMIM 604370. Disease mechanism: loss of function.

Submissions (3):

University of Washington Department of Laboratory Medicine, University of Washington
Classification: Likely benign for Hereditary cancer-predisposing syndrome. Last evaluated: 2023-03-23. Review status: criteria provided, single submitter. Criteria: Dines et al. (Genet Med. 2020). Collection method: curation. Allele origin: germline.
Comment: Missense variant in a coldspot region where missense variants are very unlikely to be pathogenic (PMID:31911673).

BRCA1 coldspot (exon 11 using historical exon numbering). Reclassification based on statistical prior probability

Labcorp Genetics (formerly Invitae), Labcorp
Classification: Uncertain significance for Hereditary breast ovarian cancer syndrome. Last evaluated: 2022-08-28. Review status: criteria provided, single submitter. Criteria: Invitae Variant Classification Sherloc (09022015). Collection method: clinical testing. Allele origin: germline.
Comment: This variant has not been reported in the literature in individuals affected with BRCA1-related conditions. This variant is not present in population databases (gnomAD no frequency). This sequence change replaces histidine, which is basic and polar, with arginine, which is basic and polar, at codon 662 of the BRCA1 protein (p.His662Arg). ClinVar contains an entry for this variant (Variation ID: 54427). In summary, the available evidence is currently insufficient to determine the role of this variant in disease. Therefore, it has been classified as a Variant of Uncertain Significance. Advanced modeling of protein sequence and biophysical properties (such as structural, functional, and spatial information, amino acid conservation, physicochemical variation, residue mobility, and thermodynamic stability) performed at Invitae indicates that this missense variant is not expected to disrupt BRCA1 protein function.

Breast Cancer Information Core (BIC) (BRCA1)
Classification: Uncertain significance for Breast-ovarian cancer, familial 1. Last evaluated: 2002-06-20. Review status: no assertion criteria provided. Collection method: clinical testing. Allele origin: germline. Affected: yes. Observed: 1 variant allele. Not counted in ClinVar's aggregate classification.

NM_007294.4(BRCA1):c.1985A>G (p.His662Arg)

Gene: BRCA1 (BRCA1 DNA repair associated; minus strand). Cytogenetic location: 17q21.31.
Variant type: single nucleotide variant.
Coding change: c.1985A>G on transcript NM_007294.4 (MANE Select); coding-DNA position 1985, A replaced by G.
Protein change: p.His662Arg; replaces histidine 662 with arginine.
Molecular consequence: missense variant. On other transcripts: intron variant (137).
Genome position (GRCh38, 1-based): chr17:43,093,546, T>C on the plus strand (A>G on the coding strand, the complement: BRCA1 is on the minus strand). VCF-style: chr17-43093546-T-C. GRCh37 (hg19) VCF-style: chr17-41245563-T-C.
Other names: c.1652A>G, p.His551Arg (NM_001407946.1, NM_001407947.1, NM_001407948.1 and 6 more transcripts); c.1649A>G, p.His550Arg (NM_001407954.1, NM_001407955.1, NM_001407956.1 and 1 more transcripts); c.1604A>G, p.His535Arg (NM_001407959.1, NM_001407960.1, NM_001407963.1); c.1601A>G, p.His534Arg (NM_001407962.1); c.1841A>G, p.His614Arg (NM_001407964.1, NM_001407740.1, NM_001407741.1 and 20 more transcripts); c.1481A>G, p.His494Arg (NM_001407965.1); c.1097A>G, p.His366Arg (NM_001407966.1, NM_001407967.1); c.1844A>G, p.His615Arg (NM_007297.4, NM_001407692.1, NM_001407694.1 and 29 more transcripts); and 40 more; short protein forms H662R, H615R, H534R, H551R, H620R, H366R, H494R, H550R.
Identifiers: ClinVar variation 54427 (VCV000054427.10), dbSNP rs80357494, ClinGen allele CA001321.